The following is an entry in ClinVar:

NM_207361.6(FREM2):c.1463G>A (p.Arg488Gln)

Gene: FREM2 (FRAS1 related extracellular matrix 2; plus strand). Cytogenetic location: 13q13.3.
Variant type: single nucleotide variant.
Coding change: c.1463G>A on transcript NM_207361.6 (MANE Select); coding-DNA position 1463, G replaced by A.
Protein change: p.Arg488Gln; replaces arginine 488 with glutamine.
Molecular consequence: missense variant.
Genome position (GRCh38, 1-based): chr13:38,688,807, G>A. VCF-style: chr13-38688807-G-A. GRCh37 (hg19) VCF-style: chr13-39262944-G-A.
Other names: c.1463G>A (NM_207361.4); short protein forms R488Q.
Identifiers: ClinVar variation 2066795 (VCV002066795.4), dbSNP rs146258429, ClinGen allele CA6954419.

ClinVar aggregate classification (germline): Uncertain significance. Review status: criteria provided, multiple submitters, no conflicts (2 of 4 stars). 3 submissions from 3 submitters: Uncertain significance (3). Last evaluated 2024-04-17.

Conditions:
Inborn genetic diseases. Identifiers: MedGen C0950123, MeSH D030342.
Isolated cryptophthalmia. Also called: Cryptophthalmos, unilateral or bilateral, isolated; ANKYLOBLEPHARON, SIMPLE. Identifiers: Orphanet 91396, MedGen C1852453, MONDO:0007410, OMIM 123570.
Fraser syndrome 2 (FRASRS2). Identifiers: MedGen C4540036, MONDO:0054738, OMIM 617666.

Allele frequency attached by ClinVar (database versions not stated): ExAC 0.00005; ESP Exome Variant Server 0.00008.
gnomAD v4.1: 160 of 1,613,830 alleles (0.0099%); highest among the groups gnomAD compares: Non-Finnish European, 0.012%; no homozygotes.

Submissions (3):

Fulgent Genetics
Classification: Uncertain significance for Isolated cryptophthalmia; Fraser syndrome 2. Last evaluated: 2024-04-17. Review status: criteria provided, single submitter. Criteria: ACMG Guidelines, 2015. Collection method: clinical testing. Allele origin: germline.

Ambry Genetics
Classification: Uncertain significance for Inborn genetic diseases. Last evaluated: 2023-08-31. Review status: criteria provided, single submitter. Criteria: Ambry Variant Classification Scheme 2023. Collection method: clinical testing. Allele origin: germline.

Labcorp Genetics (formerly Invitae), Labcorp
Classification: Uncertain significance. Last evaluated: 2022-08-22. Review status: criteria provided, single submitter. Criteria: Invitae Variant Classification Sherloc (09022015). Collection method: clinical testing. Allele origin: germline.
Comment: This sequence change replaces arginine, which is basic and polar, with glutamine, which is neutral and polar, at codon 488 of the FREM2 protein (p.Arg488Gln). This variant is present in population databases (rs146258429, gnomAD 0.009%). This variant has not been reported in the literature in individuals affected with FREM2-related conditions. Algorithms developed to predict the effect of missense changes on protein structure and function output the following: SIFT: "Tolerated"; PolyPhen-2: "Benign"; Align-GVGD: "Class C0". The glutamine amino acid residue is found in multiple mammalian species, which suggests that this missense change does not adversely affect protein function. In summary, the available evidence is currently insufficient to determine the role of this variant in disease. Therefore, it has been classified as a Variant of Uncertain Significance.